The following is an entry in ClinVar:

NM_152387.4(KCTD18):c.788C>T (p.Ala263Val)

Gene: KCTD18 (potassium channel tetramerization domain containing 18; minus strand). Cytogenetic location: 2q33.1.
Variant type: single nucleotide variant.
Coding change: c.788C>T on transcript NM_152387.4 (MANE Select); coding-DNA position 788, C replaced by T.
Protein change: p.Ala263Val; replaces alanine 263 with valine.
Molecular consequence: missense variant.
Genome position (GRCh38, 1-based): chr2:200,490,593, G>A on the plus strand (C>T on the coding strand, the complement: KCTD18 is on the minus strand). VCF-style: chr2-200490593-G-A. GRCh37 (hg19) VCF-style: chr2-201355316-G-A.
Other names: c.788C>T, p.Ala263Val (NM_001321547.2); c.161C>T, p.Ala54Val (NM_001321548.2, NM_001321550.2); short protein forms A263V, A54V.
Identifiers: ClinVar variation 3050057 (VCV003050057.2), dbSNP rs115629407, ClinGen allele CA2047588.
Genomic context (GRCh38, chr2:200,490,593, plus strand): 5'-GTGGAAGGGCCCAAAAATCTAACTGGCTTAGGACCAGTCTTATAGTTCACACTTTCGTCC[G>A]CTTCATTGAACGTTATCAGTCGCCTAGAAATACAGAAGCGTGTCATTTTCCACATGTATA-3'
Protein context (NP_689600.2, residues 253-273): RKRRLITFNE[Ala263Val]DESVNYKTGP

ClinVar aggregate classification (germline): Benign (0 of 4 stars; one submission).

Conditions:
KCTD18-related disorder. Also called: KCTD18-related condition.

Allele frequency attached by ClinVar (database versions not stated): ExAC 0.00069; ESP Exome Variant Server 0.00123; TOPMed 0.00151; gnomAD 0.00156; 1000 Genomes Project 0.00359; 1000 Genomes Project 30x 0.00406.
gnomAD v4.1: 498 of 1,594,090 alleles (0.031%); highest among the groups gnomAD compares: African/African-American, 0.48%; 2 homozygotes.

Submission:

PreventionGenetics, part of Exact Sciences
Classification: Benign for KCTD18-related condition. Last evaluated: 2019-03-08. Review status: no assertion criteria provided. Collection method: clinical testing. Allele origin: germline.
Comment: This variant is classified as benign based on ACMG/AMP sequence variant interpretation guidelines (Richards et al. 2015 PMID: 25741868, with internal and published modifications).